The following is an entry in ClinVar:

ClinVar aggregate classification (germline): Uncertain significance (1 of 4 stars; one submission).

Conditions:
Neuropathy, hereditary sensory, type 2C. Also called: KIF1A-Related HSAN2 (HSAN2C); Hereditary sensory and autonomic neuropathy type IIC. Identifiers: Orphanet 970, MedGen C3280168, MONDO:0013634, OMIM 614213.
Intellectual disability, autosomal dominant 9 (NESCAVS). Also called: KIF1A-Related Neurodevelopmental Disorder; NESCAV SYNDROME. Identifiers: Orphanet 662367, MedGen C5393830, MONDO:0013656, OMIM 614255.
Hereditary spastic paraplegia 30. Identifiers: Orphanet 101010, MedGen C5235139, MONDO:0012476.

Submission:

Labcorp Genetics (formerly Invitae), Labcorp
Classification: Uncertain significance for Hereditary spastic paraplegia 30; Neuropathy, hereditary sensory, type 2C; Intellectual disability, autosomal dominant 9. Last evaluated: 2020-12-09. Review status: criteria provided, single submitter. Criteria: Invitae Variant Classification Sherloc (09022015). Collection method: clinical testing. Allele origin: germline.
Comment: In summary, the available evidence is currently insufficient to determine the role of this variant in disease. Therefore, it has been classified as a Variant of Uncertain Significance. Advanced modeling of protein sequence and biophysical properties (such as structural, functional, and spatial information, amino acid conservation, physicochemical variation, residue mobility, and thermodynamic stability) performed at Invitae indicates that this missense variant is expected to disrupt KIF1A protein function. This variant has been observed in individual(s) with spastic paraplegia (Invitae). This variant is not present in population databases (ExAC no frequency). This sequence change replaces glycine with serine at codon 117 of the KIF1A protein (p.Gly117Ser). The glycine residue is highly conserved and there is a small physicochemical difference between glycine and serine.

NM_001244008.2(KIF1A):c.349G>A (p.Gly117Ser)

Gene: KIF1A (kinesin family member 1A; minus strand). Cytogenetic location: 2q37.3.
Variant type: single nucleotide variant.
Coding change: c.349G>A on transcript NM_001244008.2 (MANE Select); coding-DNA position 349, G replaced by A.
Protein change: p.Gly117Ser; replaces glycine 117 with serine.
Molecular consequence: missense variant.
Genome position (GRCh38, 1-based): chr2:240,788,065, C>T on the plus strand (G>A on the coding strand, the complement: KIF1A is on the minus strand). VCF-style: chr2-240788065-C-T. GRCh37 (hg19) VCF-style: chr2-241727482-C-T.
Other names: c.349G>A, p.Gly117Ser (NM_001320705.2, NM_001330289.2, NM_001330290.2 and 20 more transcripts); short protein forms G117S.
Identifiers: ClinVar variation 1355061 (VCV001355061.8), dbSNP rs2126091591, ClinGen allele CA351309990.
Genomic context (GRCh38, chr2:240,788,065, plus strand): 5'-CCGCCCCATCTGCCAGGGCTGCCCCCGCCCGCCCCCCGCTTCGTGCCTGTGGGATGATGC[C>T]CTGCTGGTCCTTCTCCTGCTTGCCCATCATGGTGTAGGACTTGCCGGCACCCGTCTGCCC-3'
Protein context (NP_001230937.1, residues 107-127): MMGKQEKDQQ[Gly117Ser]IIPQLCEDLF